The following is an entry in ClinVar:

NM_006073.4(TRDN):c.1420+2T>C

Gene: TRDN (triadin; minus strand). Cytogenetic location: 6q22.31.
Variant type: single nucleotide variant.
Coding change: c.1420+2T>C on transcript NM_006073.4 (MANE Select); the canonical splice donor site of the intron after coding-DNA position 1420, T replaced by C.
Molecular consequence: splice donor variant.
Genome position (GRCh38, 1-based): chr6:123,337,617, A>G on the plus strand (T>C on the coding strand, the complement: TRDN is on the minus strand). VCF-style: chr6-123337617-A-G. GRCh37 (hg19) VCF-style: chr6-123658762-A-G.
Identifiers: ClinVar variation 1467837 (VCV001467837.5), dbSNP rs1197905831, ClinGen allele CA365564688.

ClinVar aggregate classification (germline): Uncertain significance (1 of 4 stars; one submission).

Conditions:
Catecholaminergic polymorphic ventricular tachycardia 1. Also called: RYR2-Related Catecholaminergic Polymorphic Ventricular Tachycardia; VENTRICULAR TACHYCARDIA, STRESS-INDUCED POLYMORPHIC 1; VENTRICULAR TACHYCARDIA, CATECHOLAMINERGIC POLYMORPHIC, 1, WITH OR WITHOUT ATRIAL DYSFUNCTION AND/OR DILATED CARDIOMYOPATHY. Identifiers: Orphanet 3286, MedGen C1631597, MONDO:0011484, OMIM 604772.

Allele frequency attached by ClinVar (database versions not stated): gnomAD exomes below 0.00001 and 0.00001.
gnomAD v4.1: 4 of 1,359,508 alleles (0.00029%); highest among the groups gnomAD compares: Non-Finnish European, 0.0004%; no homozygotes.

Submission:

Labcorp Genetics (formerly Invitae), Labcorp
Classification: Uncertain significance for Catecholaminergic polymorphic ventricular tachycardia 1. Last evaluated: 2021-11-06. Review status: criteria provided, single submitter. Criteria: Invitae Variant Classification Sherloc (09022015). Collection method: clinical testing. Allele origin: germline.
Comment: In summary, the available evidence is currently insufficient to determine the role of this variant in disease. Therefore, it has been classified as a Variant of Uncertain Significance. Algorithms developed to predict the effect of sequence changes on RNA splicing suggest that this variant may disrupt the consensus splice site. This variant has not been reported in the literature in individuals affected with TRDN-related conditions. The frequency data for this variant in the population databases is considered unreliable, as metrics indicate poor data quality at this position in the gnomAD database. This sequence change affects a donor splice site in intron 22 of the TRDN gene. It is expected to disrupt RNA splicing. Variants that disrupt the donor or acceptor splice site typically lead to a loss of protein function (PMID: 16199547), however the current clinical and genetic evidence is not sufficient to establish whether loss-of-function variants in TRDN cause disease.

Literature cited by the submitters: PubMed 16199547.